The following is an entry in ClinVar:

NM_001278431.2(C1QTNF5):c.382G>C (p.Val128Leu)

Genes: C1QTNF5 (C1q and TNF related 5; minus strand), MFRP (membrane frizzled-related protein; minus strand). Cytogenetic location: 11q23.3.
Variant type: single nucleotide variant.
Coding change: c.382G>C on transcript NM_001278431.2 (MANE Select); coding-DNA position 382, G replaced by C.
Protein change: p.Val128Leu; replaces valine 128 with leucine.
Molecular consequence: missense variant. On other transcripts: 3 prime UTR variant (1).
Genome position (GRCh38, 1-based): chr11:119,339,681, C>G on the plus strand (G>C on the coding strand, the complement: C1QTNF5 is on the minus strand). VCF-style: chr11-119339681-C-G. GRCh37 (hg19) VCF-style: chr11-119210391-C-G.
Other names: c.382G>C, p.Val128Leu (NM_015645.5); c.*1278G>C (NM_031433.4); short protein forms V128L.
Identifiers: ClinVar variation 1898465 (VCV001898465.5), dbSNP rs35341101, ClinGen allele CA6319951.

ClinVar aggregate classification (germline): Uncertain significance (1 of 4 stars; one submission).

Allele frequency attached by ClinVar (database versions not stated): gnomAD exomes below 0.00001; ExAC 0.00003; gnomAD 0.00004.
gnomAD v4.1: 12 of 1,610,328 alleles (0.00075%); highest among the groups gnomAD compares: African/African-American, 0.016%; no homozygotes.

Submission:

Labcorp Genetics (formerly Invitae), Labcorp
Classification: Uncertain significance. Last evaluated: 2022-10-13. Review status: criteria provided, single submitter. Criteria: Invitae Variant Classification Sherloc (09022015). Collection method: clinical testing. Allele origin: germline.
Comment: In summary, the available evidence is currently insufficient to determine the role of this variant in disease. Therefore, it has been classified as a Variant of Uncertain Significance. Algorithms developed to predict the effect of missense changes on protein structure and function (SIFT, PolyPhen-2, Align-GVGD) all suggest that this variant is likely to be disruptive. This variant has not been reported in the literature in individuals affected with C1QTNF5-related conditions. This variant is present in population databases (rs35341101, gnomAD 0.02%). This sequence change replaces valine, which is neutral and non-polar, with leucine, which is neutral and non-polar, at codon 128 of the C1QTNF5 protein (p.Val128Leu).